The following is an entry in ClinVar:

ClinVar aggregate classification (germline): Likely benign (0 of 4 stars; one submission).

Conditions:
SLAIN1-related disorder. Also called: SLAIN1-related condition.

Allele frequency attached by ClinVar (database versions not stated): gnomAD exomes 0.00001; TOPMed 0.00003; gnomAD 0.00010; 1000 Genomes Project 30x 0.00031; ExAC 0.16667.
gnomAD v4.1: 34 of 1,056,782 alleles (0.0032%); highest among the groups gnomAD compares: East Asian, 0.11%; no homozygotes.

Submission:

PreventionGenetics, part of Exact Sciences
Classification: Likely benign for SLAIN1-related condition. Last evaluated: 2022-04-15. Review status: no assertion criteria provided. Collection method: clinical testing. Allele origin: germline.
Comment: This variant is classified as likely benign based on ACMG/AMP sequence variant interpretation guidelines (Richards et al. 2015 PMID: 25741868, with internal and published modifications).

NM_001242868.2(SLAIN1):c.190C>T (p.Pro64Ser)

Genes: MIR3665 (microRNA 3665; minus strand), SLAIN1 (SLAIN motif family member 1; plus strand). Cytogenetic location: 13q22.3.
Variant type: single nucleotide variant.
Coding change: c.190C>T on transcript NM_001242868.2 (MANE Select); coding-DNA position 190, C replaced by T.
Protein change: p.Pro64Ser; replaces proline 64 with serine.
Molecular consequence: missense variant. On other transcripts: non-coding transcript variant (1).
Genome position (GRCh38, 1-based): chr13:77,698,103, C>T. VCF-style: chr13-77698103-C-T. GRCh37 (hg19) VCF-style: chr13-78272238-C-T.
Other names: c.190C>T, p.Pro64Ser (NM_001411026.1, NM_001412123.1, NM_001412125.1); short protein forms P64S.
Identifiers: ClinVar variation 3029516 (VCV003029516.2), dbSNP rs754756004, ClinGen allele CA7011766.